The following is an entry in ClinVar:

NM_001127222.2(CACNA1A):c.2402dup (p.Arg802fs)

Gene: CACNA1A (calcium voltage-gated channel subunit alpha1 A; minus strand). Cytogenetic location: 19p13.13.
Variant type: Duplication.
Coding change: c.2402dup on transcript NM_001127222.2 (MANE Select); coding-DNA position 2402, one base duplicated (A; older notation c.2402dupA).
Protein change: p.Arg802fs; shifts the reading frame from arginine 802.
Molecular consequence: frameshift variant.
Genome position (GRCh38, 1-based): chr19:13,299,231, T duplicated on the plus strand (A on the coding strand, the reverse complement: CACNA1A is on the minus strand). VCF-style (leftmost placement, unchanged base first): chr19-13299230-C-CT. GRCh37 (hg19) VCF-style: chr19-13410044-C-CT.
Other names: c.2414dup, p.Arg806fs (NM_000068.4, NM_023035.3); c.2405dup, p.Arg803fs (NM_001127221.2, NM_001174080.2); short protein forms R803fs, R806fs, R802fs.
Identifiers: ClinVar variation 2952173 (VCV002952173.3), dbSNP rs2512910388, ClinGen allele CA2740091945.
Genomic context (GRCh38, chr19:13,299,230, plus strand): 5'-CCGGTCCAAGTGCGTCTTCATGTCTGGCCGCAGGTGCCGCGTGTAGGCAGCCTTCCAGCG[C>CT]TCGTCCGGGTCCATTTCGTTATACAGGGCCTCCCGGCTGGCCAGCAAGTTCTGCTTTCGC-3'

ClinVar aggregate classification (germline): Pathogenic (1 of 4 stars; one submission).

Conditions:
Episodic ataxia type 2 (EA2). Also called: CEREBELLAR ATAXIA, PAROXYSMAL, ACETAZOLAMIDE-RESPONSIVE; CEREBELLOPATHY, HEREDITARY PAROXYSMAL; EPISODIC ATAXIA, NYSTAGMUS-ASSOCIATED; ACETAZOLAMIDE-RESPONSIVE HEREDITARY PAROXYSMAL CEREBELLAR ATAXIA; ATAXIA, EPISODIC, WITH NYSTAGMUS; ATAXIA, FAMILIAL PAROXYSMAL. Identifiers: Orphanet 97, MedGen C1720416, MONDO:0007163, OMIM 108500.
Developmental and epileptic encephalopathy, 42 (DEE42A). Also called: Epileptic encephalopathy, early infantile, 42; DEVELOPMENTAL AND EPILEPTIC ENCEPHALOPATHY 42A; EPILEPTIC ENCEPHALOPATHY, EARLY INFANTILE, 42A. Identifiers: MedGen C4310716, MONDO:0014917, OMIM 617106.

Submission:

Labcorp Genetics (formerly Invitae), Labcorp
Classification: Pathogenic for Developmental and epileptic encephalopathy, 42; Episodic ataxia type 2. Last evaluated: 2023-10-11. Review status: criteria provided, single submitter. Criteria: Invitae Variant Classification Sherloc (09022015). Collection method: clinical testing. Allele origin: germline.
Comment: This sequence change creates a premature translational stop signal (p.Arg803Alafs*265) in the CACNA1A gene. It is expected to result in an absent or disrupted protein product. Loss-of-function variants in CACNA1A are known to be pathogenic (PMID: 10371528, 19486177, 25735478, 27250579). This variant is not present in population databases (gnomAD no frequency). This variant has not been reported in the literature in individuals affected with CACNA1A-related conditions. For these reasons, this variant has been classified as Pathogenic.

Literature cited by the submitters: PubMed 10371528; PubMed 19486177; PubMed 25735478; PubMed 27250579.